The following is an entry in ClinVar:

NM_000321.3(RB1):c.2282T>C (p.Met761Thr)

Gene: RB1 (RB transcriptional corepressor 1; plus strand). Cytogenetic location: 13q14.2.
Variant type: single nucleotide variant.
Coding change: c.2282T>C on transcript NM_000321.3 (MANE Select); coding-DNA position 2282, T replaced by C.
Protein change: p.Met761Thr; replaces methionine 761 with threonine.
Molecular consequence: missense variant.
Genome position (GRCh38, 1-based): chr13:48,465,068, T>C. VCF-style: chr13-48465068-T-C. GRCh37 (hg19) VCF-style: chr13-49039204-T-C.
Other names: c.2282T>C, p.Met761Thr (NM_001407165.1); short protein forms M761T.
Identifiers: ClinVar variation 2624662 (VCV002624662.5), dbSNP rs2138344879, ClinGen allele CA388167639.

ClinVar aggregate classification (germline): Uncertain significance. Review status: criteria provided, multiple submitters, no conflicts (2 of 4 stars). 2 submissions from 2 submitters: Uncertain significance (2). Last evaluated 2026-08-14.

Conditions:
Retinoblastoma (RB1). Also called: RETINOBLASTOMA, SOMATIC. Identifiers: Orphanet 790, MedGen C0035335, MeSH D012175, MONDO:0008380, OMIM 180200, HP:0009919. Disease mechanism: loss of function. Inheritance: Both sporadic and heritable forms are tested..
Hereditary cancer-predisposing syndrome. Also called: Hereditary neoplastic syndrome; Hereditary Cancer Syndrome; Neoplastic Syndromes, Hereditary; Tumor predisposition. Identifiers: Orphanet 140162, MedGen C0027672, MeSH D009386, MONDO:0015356.

Allele frequency attached by ClinVar (database versions not stated): gnomAD exomes below 0.00001.
gnomAD v4.1: 1 of 1,611,006 alleles (0.000062%); highest among the groups gnomAD compares: Non-Finnish European, 0.000085%; no homozygotes.

Submissions (2):

Ambry Genetics
Classification: Uncertain significance for Hereditary cancer-predisposing syndrome. Last evaluated: 2026-08-14. Review status: criteria provided, single submitter. Criteria: Ambry Variant Classification Scheme 2023. Collection method: clinical testing. Allele origin: germline.
Comment: The p.M761T variant (also known as c.2282T>C), located in coding exon 22 of the RB1 gene, results from a T to C substitution at nucleotide position 2282. The methionine at codon 761 is replaced by threonine, an amino acid with similar properties. This amino acid position is conserved. In addition, this alteration is predicted to be deleterious by in silico analysis. Based on the available evidence, the clinical significance of this variant remains unclear.

Labcorp Genetics (formerly Invitae), Labcorp
Classification: Uncertain significance for Retinoblastoma. Last evaluated: 2024-03-25. Review status: criteria provided, single submitter. Criteria: Invitae Variant Classification Sherloc (09022015). Collection method: clinical testing. Allele origin: germline.
Comment: This sequence change replaces methionine, which is neutral and non-polar, with threonine, which is neutral and polar, at codon 761 of the RB1 protein (p.Met761Thr). This variant is not present in population databases (gnomAD no frequency). This variant has not been reported in the literature in individuals affected with RB1-related conditions. ClinVar contains an entry for this variant (Variation ID: 2624662). Advanced modeling of protein sequence and biophysical properties (such as structural, functional, and spatial information, amino acid conservation, physicochemical variation, residue mobility, and thermodynamic stability) has been performed at Invitae for this missense variant, however the output from this modeling did not meet the statistical confidence thresholds required to predict the impact of this variant on RB1 protein function. In summary, the available evidence is currently insufficient to determine the role of this variant in disease. Therefore, it has been classified as a Variant of Uncertain Significance.